The following is an entry in ClinVar:

NM_020911.2(PLXNA4):c.3547G>C (p.Val1183Leu)

Gene: PLXNA4 (plexin A4; minus strand). Cytogenetic location: 7q32.3.
Variant type: single nucleotide variant.
Coding change: c.3547G>C on transcript NM_020911.2 (MANE Select); coding-DNA position 3547, G replaced by C.
Protein change: p.Val1183Leu; replaces valine 1183 with leucine.
Molecular consequence: missense variant.
Genome position (GRCh38, 1-based): chr7:132,180,678, C>G on the plus strand (G>C on the coding strand, the complement: PLXNA4 is on the minus strand). VCF-style: chr7-132180678-C-G. GRCh37 (hg19) VCF-style: chr7-131865437-C-G.
Other names: c.3547G>C, p.Val1183Leu (NM_001393897.1); short protein forms V1183L.
Identifiers: ClinVar variation 4997593 (VCV004997593.1).

ClinVar aggregate classification (germline): Uncertain significance (1 of 4 stars; one submission).

Conditions:
PLXNA4-related disorder. Also called: PLXNA4-related condition.

Submission:

PreventionGenetics, part of Exact Sciences
Classification: Uncertain significance for PLXNA4-related condition. Last evaluated: 2026-03-04. Review status: criteria provided, single submitter. Criteria: ACMG Guidelines, 2015. Collection method: clinical testing. Allele origin: germline.
Comment: The PLXNA4 c.3547G>C variant is predicted to result in the amino acid substitution p.Val1183Leu. To our knowledge, this variant has not been reported in the literature or in a large population database (gnomAD), indicating this variant is rare. At this time, the clinical significance of this variant is uncertain due to the absence of conclusive functional and genetic evidence.